The following is an entry in ClinVar:

ClinVar aggregate classification (germline): Uncertain significance (1 of 4 stars; one submission).

gnomAD v4.1: 15 of 1,604,196 alleles (0.00094%); highest among the groups gnomAD compares: Non-Finnish European, 0.0013%; no homozygotes.

Submission:

Women's Health and Genetics/Laboratory Corporation of America, LabCorp
Classification: Uncertain significance. Last evaluated: 2023-12-15. Review status: criteria provided, single submitter. Criteria: LabCorp Variant Classification Summary - May 2015. Collection method: clinical testing. Allele origin: germline.
Comment: Variant summary: PIGB c.-2G>T is located in the untranslated mRNA region upstream of the initiation codon. The variant allele was found at a frequency of 8.7e-06 in 230488 control chromosomes. The available data on variant occurrences in the general population are insufficient to allow any conclusion about variant significance. To our knowledge, no occurrence of c.-2G>T in individuals affected with Developmental And Epileptic Encephalopathy, 80 and no experimental evidence demonstrating its impact on protein function have been reported. No submitters have cited clinical-significance assessments for this variant to ClinVar after 2014. Based on the evidence outlined above, the variant was classified as uncertain significance.

NM_004855.5(PIGB):c.-2G>T

Gene: PIGB (phosphatidylinositol glycan anchor biosynthesis class B; plus strand). Cytogenetic location: 15q21.3.
Variant type: single nucleotide variant.
Coding change: c.-2G>T on transcript NM_004855.5 (MANE Select); 2 bases upstream of the start codon, G replaced by T.
Molecular consequence: 5 prime UTR variant.
Genome position (GRCh38, 1-based): chr15:55,319,249, G>T. VCF-style: chr15-55319249-G-T. GRCh37 (hg19) VCF-style: chr15-55611447-G-T.
Identifiers: ClinVar variation 2691286 (VCV002691286.1), dbSNP rs371584829, ClinGen allele CA7573740.